The following is an entry in ClinVar:

ClinVar aggregate classification (germline): Uncertain significance (1 of 4 stars; one submission).

Conditions:
Primary ciliary dyskinesia 23 (CILD23). Also called: CILIARY DYSKINESIA, PRIMARY, 23, WITH OR WITHOUT SITUS INVERSUS. Identifiers: Orphanet 244, MedGen C3809548, MONDO:0014193, OMIM 615451.

Allele frequency attached by ClinVar (database versions not stated): gnomAD exomes below 0.00001; ExAC 0.00001.
gnomAD v4.1: 5 of 1,613,250 alleles (0.00031%); highest among the groups gnomAD compares: Non-Finnish European, 0.00042%; no homozygotes.

Submission:

Labcorp Genetics (formerly Invitae), Labcorp
Classification: Uncertain significance for Primary ciliary dyskinesia 23. Last evaluated: 2022-03-15. Review status: criteria provided, single submitter. Criteria: Invitae Variant Classification Sherloc (09022015). Collection method: clinical testing. Allele origin: germline.
Comment: This sequence change affects codon 273 of the ARMC4 mRNA. It is a 'silent' change, meaning that it does not change the encoded amino acid sequence of the ARMC4 protein. It affects a nucleotide within the consensus splice site. This variant is present in population databases (rs140601894, gnomAD 0.0009%). This variant has not been reported in the literature in individuals affected with ARMC4-related conditions. Algorithms developed to predict the effect of sequence changes on RNA splicing suggest that this variant is not likely to affect RNA splicing. In summary, the available evidence is currently insufficient to determine the role of this variant in disease. Therefore, it has been classified as a Variant of Uncertain Significance.

NM_018076.5(ODAD2):c.819T>C (p.Gly273=)

Gene: ODAD2 (outer dynein arm docking complex subunit 2; minus strand). Cytogenetic location: 10p12.1.
Variant type: single nucleotide variant.
Coding change: c.819T>C on transcript NM_018076.5 (MANE Select); coding-DNA position 819, T replaced by C.
Protein change: p.Gly273=; no amino-acid change (glycine 273 retained).
Molecular consequence: synonymous variant.
Genome position (GRCh38, 1-based): chr10:27,983,843, A>G on the plus strand (T>C on the coding strand, the complement: ODAD2 is on the minus strand). VCF-style: chr10-27983843-A-G. GRCh37 (hg19) VCF-style: chr10-28272772-A-G.
Other names: c.819T>C, p.Gly273= (NM_001290020.2).
Identifiers: ClinVar variation 1952034 (VCV001952034.2), dbSNP rs140601894, ClinGen allele CA5453717.
Genomic context (GRCh38, chr10:27,983,843, plus strand): 5'-CATCTACAGCTAACAATCAAAGTCCACTGGCTTTAGTTACGTTTTTAAAAATTTACTTAC[A>G]CCATTTAAAAATACTCCTCCTGCACTGCAAGTAATGCACAGAGTCTCACCATCGTGAGGT-3'
Protein context (NP_060546.2, residues 263-283): TCSAGGVFLN[Gly273=]GKTDDEGDVN